The following is an entry in ClinVar:

ClinVar aggregate classification (germline): Uncertain significance (1 of 4 stars; one submission).

Conditions:
STAT3 gain of function. Identifiers: MedGen C4288261.
Hyper-IgE recurrent infection syndrome 1, autosomal dominant. Also called: STAT3 Hyper IgE Syndrome; Hyper-IgE recurrent infection syndrome 1; JOB SYNDROME; HYPER-IgE SYNDROME 1, AUTOSOMAL DOMINANT, WITH RECURRENT INFECTIONS; Job's Syndrome. Identifiers: Orphanet 2314, MedGen C2936739, MONDO:0007818, OMIM 147060.

Submission:

Labcorp Genetics (formerly Invitae), Labcorp
Classification: Uncertain significance for STAT3 gain of function; Hyper-IgE recurrent infection syndrome 1, autosomal dominant. Last evaluated: 2023-12-09. Review status: criteria provided, single submitter. Criteria: Invitae Variant Classification Sherloc (09022015). Collection method: clinical testing. Allele origin: germline.
Comment: This variant, c.1969_1970insTTT, results in the insertion of 1 amino acid(s) of the STAT3 protein (p.Gly656_Tyr657insPhe), but otherwise preserves the integrity of the reading frame. This variant is not present in population databases (gnomAD no frequency). This variant has not been reported in the literature in individuals affected with STAT3-related conditions. Experimental studies and prediction algorithms are not available or were not evaluated, and the functional significance of this variant is currently unknown. In summary, the available evidence is currently insufficient to determine the role of this variant in disease. Therefore, it has been classified as a Variant of Uncertain Significance.

NM_139276.3(STAT3):c.1969_1970insTTT (p.Gly656_Tyr657insPhe)

Gene: STAT3 (signal transducer and activator of transcription 3; minus strand). Cytogenetic location: 17q21.2.
Variant type: Insertion.
Coding change: c.1969_1970insTTT on transcript NM_139276.3 (MANE Select); coding-DNA positions 1969 to 1970, TTT inserted.
Protein change: p.Gly656_Tyr657insPhe.
Molecular consequence: inframe insertion.
Genome position: GRCh38 VCF-style: chr17-42322413-T-TAAA. GRCh37 (hg19) VCF-style: chr17-40474431-T-TAAA.
Other names: c.1969_1970insTTT, p.Gly656_Tyr657insPhe (NM_001369512.1, NM_001369513.1, NM_001369514.1 and 9 more transcripts); c.1885_1886insTTT, p.Gly628_Tyr629insPhe (NM_001384984.1); c.1891_1892insTTT, p.Gly630_Tyr631insPhe (NM_001384985.1); c.1984_1985insTTT, p.Gly661_Tyr662insPhe (NM_001384986.1, NM_001384990.1); c.1948_1949insTTT, p.Gly649_Tyr650insPhe (NM_001384987.1); c.1873_1874insTTT, p.Gly624_Tyr625insPhe (NM_001384989.1); c.1942_1943insTTT, p.Gly647_Tyr648insPhe (NM_001384991.1); c.1909_1910insTTT, p.Gly636_Tyr637insPhe (NM_001384992.1).
Identifiers: ClinVar variation 2954506 (VCV002954506.3), dbSNP rs2509192397, ClinGen allele CA2637932881.